The following is an entry in ClinVar:

ClinVar aggregate classification (germline): Uncertain significance. Review status: criteria provided, multiple submitters, no conflicts (2 of 4 stars). 2 submissions from 2 submitters: Uncertain significance (2). Last evaluated 2022-06-20.

Allele frequency attached by ClinVar (database versions not stated): ExAC 0.00001; gnomAD exomes 0.00002.

Submissions (2):

Labcorp Genetics (formerly Invitae), Labcorp
Classification: Uncertain significance. Last evaluated: 2022-06-20. Review status: criteria provided, single submitter. Criteria: Invitae Variant Classification Sherloc (09022015). Collection method: clinical testing. Allele origin: germline.
Comment: In summary, the available evidence is currently insufficient to determine the role of this variant in disease. Therefore, it has been classified as a Variant of Uncertain Significance. Algorithms developed to predict the effect of sequence changes on RNA splicing suggest that this variant may disrupt the consensus splice site. Algorithms developed to predict the effect of missense changes on protein structure and function are either unavailable or do not agree on the potential impact of this missense change (SIFT: "Not Available"; PolyPhen-2: "Probably Damaging"; Align-GVGD: "Not Available"). This variant has not been reported in the literature in individuals affected with IDH3B-related conditions. This variant is present in population databases (rs759156747, gnomAD 0.01%). This sequence change replaces arginine with glycine at codon 196 of the IDH3B protein (p.Arg196Gly). The arginine residue is highly conserved and there is a moderate physicochemical difference between arginine and glycine.

Blueprint Genetics
Classification: Uncertain significance. Last evaluated: 2021-07-05. Review status: criteria provided, single submitter. Criteria: ACMG Guidelines, 2015. Collection method: clinical testing. Allele origin: germline.

NM_006899.5(IDH3B):c.586C>G (p.Arg196Gly)

Gene: IDH3B (isocitrate dehydrogenase (NAD(+)) 3 non-catalytic subunit beta; minus strand). Cytogenetic location: 20p13.
Variant type: single nucleotide variant.
Coding change: c.586C>G on transcript NM_006899.5 (MANE Select); coding-DNA position 586, C replaced by G.
Protein change: p.Arg196Gly; replaces arginine 196 with glycine.
Molecular consequence: missense variant. On other transcripts: non-coding transcript variant (1).
Genome position (GRCh38, 1-based): chr20:2,660,536, G>C on the plus strand (C>G on the coding strand, the complement: IDH3B is on the minus strand). VCF-style: chr20-2660536-G-C. GRCh37 (hg19) VCF-style: chr20-2641182-G-C.
Other names: c.586C>G, p.Arg196Gly (NM_001258384.3, NM_001330763.2, NM_174855.4); short protein forms R196G.
Identifiers: ClinVar variation 1476253 (VCV001476253.7), dbSNP rs759156747, ClinGen allele CA9735237.